The following is an entry in ClinVar:

ClinVar aggregate classification (germline): Uncertain significance. Review status: criteria provided, multiple submitters, no conflicts (2 of 4 stars). 2 submissions from 2 submitters: Uncertain significance (2). Last evaluated 2026-06-04.

Conditions:
Inborn genetic diseases. Identifiers: MedGen C0950123, MeSH D030342.
RYR1-related disorder. Also called: RYR1-related condition; RYR1-related disorders. Identifiers: MedGen CN239331.

Allele frequency attached by ClinVar (database versions not stated): gnomAD 0.00001; 1000 Genomes Project 0.00020; ExAC 0.00001; 1000 Genomes Project 30x 0.00031.
gnomAD v4.1: 1 of 1,607,290 alleles (0.000062%); highest among the groups gnomAD compares: Admixed American, 0.0017%; no homozygotes.

Submissions (2):

Ambry Genetics
Classification: Uncertain significance for Inborn genetic diseases. Last evaluated: 2026-06-04. Review status: criteria provided, single submitter. Criteria: Ambry Variant Classification Scheme 2023. Collection method: clinical testing. Allele origin: germline.

Labcorp Genetics (formerly Invitae), Labcorp
Classification: Uncertain significance for RYR1-related disorder. Last evaluated: 2023-04-09. Review status: criteria provided, single submitter. Criteria: Invitae Variant Classification Sherloc (09022015). Collection method: clinical testing. Allele origin: germline.
Comment: In summary, the available evidence is currently insufficient to determine the role of this variant in disease. Therefore, it has been classified as a Variant of Uncertain Significance. Advanced modeling of protein sequence and biophysical properties (such as structural, functional, and spatial information, amino acid conservation, physicochemical variation, residue mobility, and thermodynamic stability) performed at Invitae indicates that this missense variant is not expected to disrupt RYR1 protein function. ClinVar contains an entry for this variant (Variation ID: 1987338). This variant has not been reported in the literature in individuals affected with RYR1-related conditions. This variant is present in population databases (rs549238688, gnomAD 0.003%). This sequence change replaces serine, which is neutral and polar, with leucine, which is neutral and non-polar, at codon 2085 of the RYR1 protein (p.Ser2085Leu).

NM_000540.3(RYR1):c.6254C>T (p.Ser2085Leu)

Gene: RYR1 (ryanodine receptor 1; plus strand). Cytogenetic location: 19q13.2.
Variant type: single nucleotide variant.
Coding change: c.6254C>T on transcript NM_000540.3 (MANE Select); coding-DNA position 6254, C replaced by T.
Protein change: p.Ser2085Leu; replaces serine 2085 with leucine.
Molecular consequence: missense variant.
Genome position (GRCh38, 1-based): chr19:38,492,616, C>T. VCF-style: chr19-38492616-C-T. GRCh37 (hg19) VCF-style: chr19-38983256-C-T.
Other names: c.6254C>T, p.Ser2085Leu (NM_001042723.2); short protein forms S2085L.
Identifiers: ClinVar variation 1987338 (VCV001987338.5), dbSNP rs549238688, ClinGen allele CA067952.